The following is an entry in ClinVar:

NM_000138.5(FBN1):c.2495G>T (p.Cys832Phe)

Gene: FBN1 (fibrillin 1; minus strand). Cytogenetic location: 15q21.1.
Variant type: single nucleotide variant.
Coding change: c.2495G>T on transcript NM_000138.5 (MANE Select); coding-DNA position 2495, G replaced by T.
Protein change: p.Cys832Phe; replaces cysteine 832 with phenylalanine.
Molecular consequence: missense variant.
Genome position (GRCh38, 1-based): chr15:48,495,513, C>A on the plus strand (G>T on the coding strand, the complement: FBN1 is on the minus strand). VCF-style: chr15-48495513-C-A. GRCh37 (hg19) VCF-style: chr15-48787710-C-A.
Other names: short protein forms C832F.
Identifiers: ClinVar variation 963640 (VCV000963640.13), dbSNP rs397515775, ClinGen allele CA392334410.
Genomic context (GRCh38, chr15:48,495,513, plus strand): 5'-TCAGAAAGATAAATACCTATGCAGATGGTTTTTGTTGGATCCAAAGTACTTTCAGAAGAA[C>A]ATTCACAAATAAAAGAGCCTGGGCTGTTCTTGCAGACTCCATTAATGCAAGGACTTGATT-3'
Protein context (NP_000129.3, residues 822-842): KNSPGSFICE[Cys832Phe]SSESTLDPTK

ClinVar aggregate classification (germline): Pathogenic. Review status: criteria provided, multiple submitters, no conflicts (2 of 4 stars). 4 submissions from 4 submitters: Pathogenic (4). Last evaluated 2025-03-13.

Conditions:
Marfan syndrome (MFS). Also called: FBN1-Related Marfan Syndrome; MARFAN SYNDROME, TYPE I; Marfan syndrome type 1; Marfan's syndrome; Marfan syndrome, classic. Identifiers: Orphanet 284963, Orphanet 558, MedGen C0024796, MONDO:0007947, OMIM 154700.
Familial thoracic aortic aneurysm and aortic dissection (TAAD). Also called: Thoracic aortic aneurysms and dissections. Identifiers: Orphanet 91387, MedGen C4707243, MONDO:0019625.

Submissions (4):

Clinical Genetics Laboratory, Skane University Hospital Lund
Classification: Pathogenic for Marfan syndrome. Last evaluated: 2025-03-13. Review status: criteria provided, single submitter. Criteria: ACMG Guidelines, 2015. Collection method: clinical testing. Allele origin: germline. Affected: yes.
Comment: ACMG criteria used: PS4_Moderate, PM1_Strong, PM2, PM5, PP3, PP4.

GeneDx
Classification: Pathogenic. Last evaluated: 2024-03-05. Review status: criteria provided, single submitter. Criteria: GeneDx Variant Classification Process June 2021. Collection method: clinical testing. Allele origin: germline. Affected: yes.
Comment: Affects a cysteine residue within a calcium-binding EGF-like domain of the FBN1 gene, which may affect disulfide bonding and is predicted to alter the structure and function of the protein; cysteine substitutions in the calcium-binding EGF-like domains represent the majority of pathogenic missense changes associated with FBN1-related disorders (PMID: 12938084); Not observed at significant frequency in large population cohorts (gnomAD); In silico analysis supports that this missense variant has a deleterious effect on protein structure/function; This variant is associated with the following publications: (PMID: 12938084, 19839986, 10464652, 10486319, 16222657, 17657824, 24199744, 29357934, 31098894)

Labcorp Genetics (formerly Invitae), Labcorp
Classification: Pathogenic for Marfan syndrome; Familial thoracic aortic aneurysm and aortic dissection. Last evaluated: 2022-05-05. Review status: criteria provided, single submitter. Criteria: Invitae Variant Classification Sherloc (09022015). Collection method: clinical testing. Allele origin: germline.
Comment: This sequence change replaces cysteine, which is neutral and slightly polar, with phenylalanine, which is neutral and non-polar, at codon 832 of the FBN1 protein (p.Cys832Phe). This variant is not present in population databases (gnomAD no frequency). This missense change has been observed in individuals with clinical features of Marfan syndrome (PMID: 19839986; Invitae). ClinVar contains an entry for this variant (Variation ID: 963640). Advanced modeling of protein sequence and biophysical properties (such as structural, functional, and spatial information, amino acid conservation, physicochemical variation, residue mobility, and thermodynamic stability) performed at Invitae indicates that this missense variant is expected to disrupt FBN1 protein function. This variant affects a cysteine residue in the EGF-like, TGFBP or hybrid motif domains of FBN1. Cysteine residues are believed to be involved in intramolecular disulfide bridges and have been shown to be important for FBN1 protein structure (PMID: 16905551, 19349279). In addition, missense substitutions affecting cysteine residues within these domains are significantly overrepresented among patients with Marfan syndrome (PMID: 16571647, 17701892). This variant disrupts the p.Cys832 amino acid residue in FBN1. Other variant(s) that disrupt this residue have been observed in individuals with FBN1-related conditions (PMID: 27906200, 28277377), which suggests that this may be a clinically significant amino acid residue. For these reasons, this variant has been classified as Pathogenic.

Ambry Genetics
Classification: Pathogenic for Familial thoracic aortic aneurysm and aortic dissection. Last evaluated: 2019-08-26. Review status: criteria provided, single submitter. Criteria: Ambry Variant Classification Scheme 2023. Collection method: clinical testing. Allele origin: germline.
Comment: The p.C832F pathogenic mutation (also known as c.2495G>T), located in coding exon 20 of the FBN1 gene, results from a G to T substitution at nucleotide position 2495. The cysteine at codon 832 is replaced by phenylalanine, an amino acid with highly dissimilar properties, and is located in the cbEGF-like domain #09. The majority of FBN1 mutations identified to date have involved the substitution or generation of cysteine residues within cbEGF domains (Vollbrandt T et al. J Biol Chem. 2004;279(31):32924-32931). This variant has been reported in individuals with a clinical diagnosis of Marfan syndrome (Ambry internal data; Hung CC et al. Ann. Hum. Genet., 2009 Nov;73:559-67). Based on internal structural assessment, this alteration eliminates a structurally critical disulfide in the the structurally sensitive cb EGF-like domain #09. Furthermore, additional amino acid substitutions at this codon, including p.C832Y, p.C832S, p.C832R, have also been reported in individuals with Marfan syndrome (Liu WO et al. Genet. Test., 1997-1998;1:237-42; Groth KA et al. Genet. Med., 2017 07;19:772-777; Budisteanu M et al. Clin. Dysmorphol., 2017 Jul;26:187-189). Based on the supporting evidence, this alteration is interpreted as a disease-causing mutation.

Literature cited by the submitters: PubMed 19839986 (cited by Labcorp Genetics (formerly Invitae), Labcorp and Ambry Genetics); PubMed 16905551 (cited by Labcorp Genetics (formerly Invitae), Labcorp); PubMed 19349279 (cited by Labcorp Genetics (formerly Invitae), Labcorp); PubMed 16571647 (cited by Labcorp Genetics (formerly Invitae), Labcorp); PubMed 17701892 (cited by Labcorp Genetics (formerly Invitae), Labcorp); PubMed 27906200 (cited by Labcorp Genetics (formerly Invitae), Labcorp); PubMed 28277377 (cited by Labcorp Genetics (formerly Invitae), Labcorp).